The following is an entry in ClinVar:

ClinVar aggregate classification (germline): Conflicting classifications of pathogenicity. Review status: criteria provided, conflicting classifications (1 of 4 stars). 5 submissions from 3 submitters: Uncertain significance (1); Benign (2); Likely benign (2). Last evaluated 2025-12-27.

Conditions:
Bronchiectasis with or without elevated sweat chloride 1 (BESC1). Also called: Cystic Fibrosis-Like Syndrome. Identifiers: Orphanet 60033, MedGen C2749757, MONDO:0008887, OMIM 211400.
Pseudohypoaldosteronism, type IB1, autosomal recessive. Also called: Autosomal recessive pseudohypoaldosteronism type 1; PHA I, AUTOSOMAL RECESSIVE; Pseudohypoaldosteronism, Type I, Autosomal Recessive; Pseudohypoaldosteronism, Type I, Recessive. Identifiers: Orphanet 171876, Orphanet 756, MedGen C5774176, MONDO:0009917, OMIM 264350.
Liddle syndrome 1 (LIDLS1). Also called: PSEUDOALDOSTERONISM. Identifiers: Orphanet 526, MedGen CN031472, MONDO:0020607, OMIM 177200.

Allele frequency attached by ClinVar (database versions not stated): gnomAD exomes 0.00039; ExAC 0.00043; gnomAD 0.00051 and 0.00052; TOPMed 0.00063; ESP Exome Variant Server 0.00069; 1000 Genomes Project 30x 0.00078; 1000 Genomes Project 0.00080.
gnomAD v4.1: 822 of 1,536,144 alleles (0.054%); highest among the groups gnomAD compares: Non-Finnish European, 0.064%; 1 homozygote.

Submissions (5):

Labcorp Genetics (formerly Invitae), Labcorp
Classification: Likely benign. Last evaluated: 2025-12-27. Review status: criteria provided, single submitter. Criteria: Invitae Variant Classification Sherloc (09022015). Collection method: clinical testing. Allele origin: germline.

Blueprint Genetics
Classification: Likely benign. Last evaluated: 2024-10-29. Review status: criteria provided, single submitter. Criteria: ACMG Guidelines, 2015. Collection method: clinical testing. Allele origin: germline.

Illumina Laboratory Services, Illumina
Classification: Uncertain significance for Pseudohypoaldosteronism, type IB1, autosomal recessive. Last evaluated: 2018-01-13. Review status: criteria provided, single submitter. Criteria: ICSL Variant Classification Criteria 13 December 2019. Collection method: clinical testing. Allele origin: germline.

Illumina Laboratory Services, Illumina
Classification: Benign for Bronchiectasis with or without elevated sweat chloride 1. Last evaluated: 2018-01-13. Review status: criteria provided, single submitter. Criteria: ICSL Variant Classification Criteria 13 December 2019. Collection method: clinical testing. Allele origin: germline.
Comment: This variant was observed in the ICSL laboratory as part of a predisposition screen in an ostensibly healthy population. It had not been previously curated by ICSL or reported in the Human Gene Mutation Database (HGMD: prior to June 1st, 2018), and was therefore a candidate for classification through an automated scoring system. Utilizing variant allele frequency, disease prevalence and penetrance estimates, and inheritance mode, an automated score was calculated to assess if this variant is too frequent to cause the disease. Based on the score and internal cut-off values, a variant classified as benign is not then subjected to further curation. The score for this variant resulted in a classification of benign for this disease.

Illumina Laboratory Services, Illumina
Classification: Benign for Liddle syndrome 1. Last evaluated: 2018-01-13. Review status: criteria provided, single submitter. Criteria: ICSL Variant Classification Criteria 13 December 2019. Collection method: clinical testing. Allele origin: germline.
Comment: the same text as in the submission from Illumina Laboratory Services, Illumina above.

NM_000336.3(SCNN1B):c.1270+14C>T

Gene: SCNN1B (sodium channel epithelial 1 subunit beta; plus strand). Cytogenetic location: 16p12.2.
Variant type: single nucleotide variant.
Coding change: c.1270+14C>T on transcript NM_000336.3 (MANE Select); 14 bases into the intron after coding-DNA position 1270, C replaced by T.
Molecular consequence: intron variant.
Genome position (GRCh38, 1-based): chr16:23,375,869, C>T. VCF-style: chr16-23375869-C-T. GRCh37 (hg19) VCF-style: chr16-23387190-C-T.
Identifiers: ClinVar variation 318435 (VCV000318435.10), dbSNP rs141909058, ClinGen allele CA7960418.